The following is an entry in ClinVar:

ClinVar aggregate classification (germline): Conflicting classifications of pathogenicity. Review status: criteria provided, conflicting classifications (1 of 4 stars). 2 submissions from 2 submitters: Pathogenic (1); Uncertain significance (1). Last evaluated 2023-01-30.

Conditions:
Holt-Oram syndrome (HOS). Also called: TBX5-Related Holt-Oram Syndrome; Ventriculo-radial syndrome; Cardiac-limb syndrome; Heart-hand syndrome, type 1. Identifiers: Orphanet 392, MedGen C0265264, MONDO:0007732, OMIM 142900.

Submissions (2):

GeneDx
Classification: Uncertain significance. Last evaluated: 2023-01-30. Review status: criteria provided, single submitter. Criteria: GeneDx Variant Classification Process June 2021. Collection method: clinical testing. Allele origin: germline. Affected: yes.
Comment: Reported as Int2ASC-2A in a family with Holt-Oram syndrome; however, the number of affected individuals and detailed clinical information were not described (Basson et al., 1999); In silico analysis is inconclusive as to whether the variant alters gene splicing. In the absence of RNA/functional studies, the actual effect of this sequence change is unknown.; Not observed at significant frequency in large population cohorts (gnomAD); This variant is associated with the following publications: (PMID: 25525159, 10077612)

Centre de Biologie Pathologie Génétique, Centre Hospitalier Universitaire de Lille
Classification: Pathogenic for Holt-Oram syndrome. Last evaluated: 2023-01-01. Review status: criteria provided, single submitter. Criteria: ACMG Guidelines, 2015. Collection method: clinical testing. Allele origin: de novo. Affected: yes.

NM_181486.4(TBX5):c.148-3C>A

Gene: TBX5 (T-box transcription factor 5; minus strand). Cytogenetic location: 12q24.21.
Variant type: single nucleotide variant.
Coding change: c.148-3C>A on transcript NM_181486.4 (MANE Select); 3 bases into the intron before coding-DNA position 148, C replaced by A.
Molecular consequence: intron variant.
Genome position (GRCh38, 1-based): chr12:114,401,923, G>T on the plus strand (C>A on the coding strand, the complement: TBX5 is on the minus strand). VCF-style: chr12-114401923-G-T. GRCh37 (hg19) VCF-style: chr12-114839728-G-T.
Other names: c.-3-3C>A (NM_080717.4); c.148-3C>A (NM_000192.3).
Identifiers: ClinVar variation 2574518 (VCV002574518.10), dbSNP rs2540475446, ClinGen allele CA2580614570.